The following is an entry in ClinVar:

ClinVar aggregate classification (germline): Benign/Likely benign. Review status: criteria provided, multiple submitters, no conflicts (2 of 4 stars). 3 submissions from 3 submitters: Benign (1); Likely benign (1). 1 of the submissions does not count toward it. Last evaluated 2025-12-01.

Conditions:
Menkes kinky-hair syndrome (MNK). Also called: Menkes Disease; Copper transport disease; Classic Menkes Disease. Identifiers: Orphanet 565, MedGen C0022716, MONDO:0010651, OMIM 309400.
X-linked distal spinal muscular atrophy type 3. Also called: NEURONOPATHY, DISTAL HEREDITARY MOTOR, X-LINKED; NEUROPATHY, DISTAL HEREDITARY MOTOR, X-LINKED; SPINAL MUSCULAR ATROPHY, DISTAL, X-LINKED RECESSIVE; ATP7A-Related Distal Motor Neuropathy. Identifiers: Orphanet 139557, MedGen C1845359, MONDO:0010338, OMIM 300489.
Cutis laxa, X-linked (OHS). Also called: EDS IX; Occipital horn syndrome. Identifiers: Orphanet 198, MedGen C0268353, MONDO:0010572, OMIM 304150.
ATP7A-related disorder. Also called: ATP7A-related condition.
Inborn genetic diseases. Identifiers: MedGen C0950123, MeSH D030342.

Allele frequency attached by ClinVar (database versions not stated): gnomAD exomes 0.00003 and 0.00008; ExAC 0.00010.
gnomAD v4.1: 37 of 1,207,612 alleles (0.0031%); highest among the groups gnomAD compares: South Asian, 0.056%; no homozygotes.

Submissions (3):

Labcorp Genetics (formerly Invitae), Labcorp
Classification: Benign for X-linked distal spinal muscular atrophy type 3; Cutis laxa, X-linked; Menkes kinky-hair syndrome. Last evaluated: 2025-12-01. Review status: criteria provided, single submitter. Criteria: Invitae Variant Classification Sherloc (09022015). Collection method: clinical testing. Allele origin: germline.

Ambry Genetics
Classification: Likely benign for Inborn genetic diseases. Last evaluated: 2024-09-10. Review status: criteria provided, single submitter. Criteria: Ambry Variant Classification Scheme 2023. Collection method: clinical testing. Allele origin: germline.

PreventionGenetics, part of Exact Sciences
Classification: Likely benign for ATP7A-related condition. Last evaluated: 2024-02-15. Review status: no assertion criteria provided. Collection method: clinical testing. Allele origin: germline. Not counted in ClinVar's aggregate classification.
Comment: This variant is classified as likely benign based on ACMG/AMP sequence variant interpretation guidelines (Richards et al. 2015 PMID: 25741868, with internal and published modifications).

NM_000052.7(ATP7A):c.1615C>A (p.Pro539Thr)

Gene: ATP7A (ATPase copper transporting alpha; plus strand). Cytogenetic location: Xq21.1.
Variant type: single nucleotide variant.
Coding change: c.1615C>A on transcript NM_000052.7 (MANE Select); coding-DNA position 1615, C replaced by A.
Protein change: p.Pro539Thr; replaces proline 539 with threonine.
Molecular consequence: missense variant.
Genome position (GRCh38, 1-based): chrX:78,003,144, C>A. VCF-style: chrX-78003144-C-A. GRCh37 (hg19) VCF-style: chrX-77258641-C-A.
Other names: c.1615C>A (NM_000052.4); c.1615C>A, p.Pro539Thr (NM_001282224.2); short protein forms P539T.
Identifiers: ClinVar variation 704487 (VCV000704487.13), dbSNP rs781817601, ClinGen allele CA10459073.